The following is an entry in ClinVar:

NM_004260.4(RECQL4):c.3089T>C (p.Phe1030Ser)

Gene: RECQL4 (RecQ like helicase 4; minus strand). Cytogenetic location: 8q24.3.
Variant type: single nucleotide variant.
Coding change: c.3089T>C on transcript NM_004260.4 (MANE Select); coding-DNA position 3089, T replaced by C.
Protein change: p.Phe1030Ser; replaces phenylalanine 1030 with serine.
Molecular consequence: missense variant.
Genome position (GRCh38, 1-based): chr8:144,512,291, A>G on the plus strand (T>C on the coding strand, the complement: RECQL4 is on the minus strand). VCF-style: chr8-144512291-A-G. GRCh37 (hg19) VCF-style: chr8-145737674-A-G.
Other names: short protein forms F1030S.
Identifiers: ClinVar variation 844106 (VCV000844106.4), dbSNP rs376504280, ClinGen allele CA4947931.

ClinVar aggregate classification (germline): Uncertain significance (1 of 4 stars; one submission).

Conditions:
Baller-Gerold syndrome (BGS). Also called: CRANIOSYNOSTOSIS WITH RADIAL DEFECTS. Identifiers: Orphanet 1225, MedGen C0265308, MONDO:0009039, OMIM 218600.

Allele frequency attached by ClinVar (database versions not stated): gnomAD exomes below 0.00001; ExAC 0.00001; gnomAD 0.00001; TOPMed 0.00001; ESP Exome Variant Server 0.00016.
gnomAD v4.1: 6 of 1,612,356 alleles (0.00037%); highest among the groups gnomAD compares: Non-Finnish European, 0.00051%; no homozygotes.

Submission:

Labcorp Genetics (formerly Invitae), Labcorp
Classification: Uncertain significance for Baller-Gerold syndrome. Last evaluated: 2023-01-26. Review status: criteria provided, single submitter. Criteria: Invitae Variant Classification Sherloc (09022015). Collection method: clinical testing. Allele origin: germline.
Comment: In summary, the available evidence is currently insufficient to determine the role of this variant in disease. Therefore, it has been classified as a Variant of Uncertain Significance. Advanced modeling of protein sequence and biophysical properties (such as structural, functional, and spatial information, amino acid conservation, physicochemical variation, residue mobility, and thermodynamic stability) performed at Invitae indicates that this missense variant is expected to disrupt RECQL4 protein function. ClinVar contains an entry for this variant (Variation ID: 844106). This variant has not been reported in the literature in individuals affected with RECQL4-related conditions. This variant is present in population databases (rs376504280, gnomAD 0.0009%). This sequence change replaces phenylalanine, which is neutral and non-polar, with serine, which is neutral and polar, at codon 1030 of the RECQL4 protein (p.Phe1030Ser).